The following is an entry in ClinVar:

ClinVar aggregate classification (germline): Uncertain significance. Review status: criteria provided, multiple submitters, no conflicts (2 of 4 stars). 4 submissions from 4 submitters: Uncertain significance (4). Last evaluated 2026-04-01.

Conditions:
Cerebral palsy, spastic quadriplegic, 2 (CPSQ2). Identifiers: Orphanet 210141, MedGen C2752061, MONDO:0013033, OMIM 612900.

Allele frequency attached by ClinVar (database versions not stated): gnomAD exomes 0.00012 and 0.00028; ExAC 0.00020; ESP Exome Variant Server 0.00023.
gnomAD v4.1: 251 of 1,614,058 alleles (0.016%); highest among the groups gnomAD compares: Admixed American, 0.14%; no homozygotes.

Submissions (4):

CeGaT Center for Human Genetics Tuebingen
Classification: Uncertain significance. Last evaluated: 2026-04-01. Review status: criteria provided, single submitter. Criteria: CeGaT Center For Human Genetics Tuebingen Variant Classification Criteria Version 2. Collection method: clinical testing. Allele origin: germline. Affected: yes. Observed: 1 variant allele.
Comment: KANK1: PM2:Supporting, BP4

Labcorp Genetics (formerly Invitae), Labcorp
Classification: Uncertain significance. Last evaluated: 2025-11-23. Review status: criteria provided, single submitter. Criteria: Invitae Variant Classification Sherloc (09022015). Collection method: clinical testing. Allele origin: germline.
Comment: This sequence change replaces glutamic acid, which is acidic and polar, with lysine, which is basic and polar, at codon 406 of the KANK1 protein (p.Glu406Lys). This variant is present in population databases (rs147714853, gnomAD 0.09%), and has an allele count higher than expected for a pathogenic variant. This variant has not been reported in the literature in individuals affected with KANK1-related conditions. ClinVar contains an entry for this variant (Variation ID: 1499229). Invitae Evidence Modeling of protein sequence and biophysical properties (such as structural, functional, and spatial information, amino acid conservation, physicochemical variation, residue mobility, and thermodynamic stability) indicates that this missense variant is not expected to disrupt KANK1 protein function with a negative predictive value of 80%. In summary, the available evidence is currently insufficient to determine the role of this variant in disease. Therefore, it has been classified as a Variant of Uncertain Significance.

Fulgent Genetics
Classification: Uncertain significance for Cerebral palsy, spastic quadriplegic, 2. Last evaluated: 2022-03-21. Review status: criteria provided, single submitter. Criteria: ACMG Guidelines, 2015. Collection method: clinical testing. Allele origin: unknown.

Ambry Genetics
Classification: Uncertain significance. Last evaluated: 2021-11-22. Review status: criteria provided, single submitter. Criteria: Ambry Variant Classification Scheme 2023. Collection method: clinical testing. Allele origin: germline.

NM_015158.5(KANK1):c.1216G>A (p.Glu406Lys)

Gene: KANK1 (KN motif and ankyrin repeat domains 1; plus strand). Cytogenetic location: 9p24.3.
Variant type: single nucleotide variant.
Coding change: c.1216G>A on transcript NM_015158.5 (MANE Select); coding-DNA position 1216, G replaced by A.
Protein change: p.Glu406Lys; replaces glutamic acid 406 with lysine.
Molecular consequence: missense variant. On other transcripts: non-coding transcript variant (1).
Genome position (GRCh38, 1-based): chr9:711,982, G>A. VCF-style: chr9-711982-G-A. GRCh37 (hg19) VCF-style: chr9-711982-G-A.
Other names: c.1216G>A, p.Glu406Lys (NM_001256876.3, NM_001256877.3, NM_001354331.2 and 2 more transcripts); c.742G>A, p.Glu248Lys (NM_001354333.2, NM_001354335.2, NM_001354336.2 and 9 more transcripts); c.1216G>A (NM_015158.2); short protein forms E248K, E406K.
Identifiers: ClinVar variation 1499229 (VCV001499229.12), dbSNP rs147714853, ClinGen allele CA4960155.